The following is an entry in ClinVar:

ClinVar aggregate classification (germline): Conflicting classifications of pathogenicity. Review status: criteria provided, conflicting classifications (1 of 4 stars). 3 submissions from 3 submitters: Uncertain significance (2); Likely benign (1). Last evaluated 2023-03-23.

Conditions:
Hereditary cancer-predisposing syndrome. Also called: Hereditary Cancer Syndrome; Hereditary neoplastic syndrome; Neoplastic Syndromes, Hereditary; Tumor predisposition. Identifiers: Orphanet 140162, MedGen C0027672, MeSH D009386, MONDO:0015356.
Hereditary breast ovarian cancer syndrome. Also called: Hereditary breast and ovarian cancer; BRCA1- and BRCA2-Associated Hereditary Breast and Ovarian Cancer; Hereditary breast and ovarian cancer syndrome (HBOC); Hereditary breast and ovarian cancer syndrome; Breast and ovarian cancer; Hereditary breast and/or ovarian cancer syndrome. Identifiers: Orphanet 145, MedGen C0677776, MeSH D061325, MONDO:0003582. Disease mechanism: loss of function.

gnomAD v4.1: 2 of 1,613,856 alleles (0.00012%); highest among the groups gnomAD compares: African/African-American, 0.0013%; no homozygotes.

Submissions (3):

University of Washington Department of Laboratory Medicine, University of Washington
Classification: Likely benign for Hereditary cancer-predisposing syndrome. Last evaluated: 2023-03-23. Review status: criteria provided, single submitter. Criteria: Dines et al. (Genet Med. 2020). Collection method: curation. Allele origin: germline.
Comment: Missense variant in a coldspot region where missense variants are very unlikely to be pathogenic (PMID:31911673).

BRCA2 exon 11 coldspot. Reclassification based on statistical prior probability.

Labcorp Genetics (formerly Invitae), Labcorp
Classification: Uncertain significance for Hereditary breast ovarian cancer syndrome. Last evaluated: 2022-12-23. Review status: criteria provided, single submitter. Criteria: Invitae Variant Classification Sherloc (09022015). Collection method: clinical testing. Allele origin: germline.
Comment: This sequence change replaces aspartic acid, which is acidic and polar, with valine, which is neutral and non-polar, at codon 1949 of the BRCA2 protein (p.Asp1949Val). In summary, the available evidence is currently insufficient to determine the role of this variant in disease. Therefore, it has been classified as a Variant of Uncertain Significance. Advanced modeling of protein sequence and biophysical properties (such as structural, functional, and spatial information, amino acid conservation, physicochemical variation, residue mobility, and thermodynamic stability) performed at Invitae indicates that this missense variant is not expected to disrupt BRCA2 protein function. ClinVar contains an entry for this variant (Variation ID: 1750037). This variant has not been reported in the literature in individuals affected with BRCA2-related conditions. This variant is not present in population databases (gnomAD no frequency).

Ambry Genetics
Classification: Uncertain significance for Hereditary cancer-predisposing syndrome. Last evaluated: 2022-04-05. Review status: criteria provided, single submitter. Criteria: Ambry Variant Classification Scheme 2023. Collection method: clinical testing. Allele origin: germline.
Comment: The p.D1949V variant (also known as c.5846A>T), located in coding exon 10 of the BRCA2 gene, results from an A to T substitution at nucleotide position 5846. The aspartic acid at codon 1949 is replaced by valine, an amino acid with highly dissimilar properties. This amino acid position is conserved. In addition, this alteration is predicted to be tolerated by in silico analysis. Since supporting evidence is limited at this time, the clinical significance of this alteration remains unclear.

NM_000059.4(BRCA2):c.5846A>T (p.Asp1949Val)

Gene: BRCA2 (BRCA2 DNA repair associated; plus strand). Cytogenetic location: 13q13.1.
Variant type: single nucleotide variant.
Coding change: c.5846A>T on transcript NM_000059.4 (MANE Select); coding-DNA position 5846, A replaced by T.
Protein change: p.Asp1949Val; replaces aspartic acid 1949 with valine.
Molecular consequence: missense variant.
Genome position (GRCh38, 1-based): chr13:32,340,201, A>T. VCF-style: chr13-32340201-A-T. GRCh37 (hg19) VCF-style: chr13-32914338-A-T.
Other names: c.5846A>T, p.Asp1949Val (NM_001406719.1, NM_001406720.1); short protein forms D1949V.
Identifiers: ClinVar variation 1750037 (VCV001750037.7), dbSNP rs431825336, ClinGen allele CA387787377.